The following is an entry in ClinVar:

NM_000080.4(CHRNE):c.1076C>T (p.Pro359Leu)

Genes: CHRNE (cholinergic receptor nicotinic epsilon subunit; minus strand), LOC130060041 (ATAC-STARR-seq lymphoblastoid silent region 8050; plus strand). Cytogenetic location: 17p13.2.
Variant type: single nucleotide variant.
Coding change: c.1076C>T on transcript NM_000080.4 (MANE Select); coding-DNA position 1076, C replaced by T.
Protein change: p.Pro359Leu; replaces proline 359 with leucine.
Molecular consequence: missense variant.
Genome position (GRCh38, 1-based): chr17:4,899,341, G>A on the plus strand (C>T on the coding strand, the complement: CHRNE is on the minus strand). VCF-style: chr17-4899341-G-A. GRCh37 (hg19) VCF-style: chr17-4802636-G-A.
Other names: c.1076C>T, p.Pro359Leu (LRG_1254t1); short protein forms P359L.
Identifiers: ClinVar variation 585672 (VCV000585672.29), dbSNP rs192195094, ClinGen allele CA8314029.

ClinVar aggregate classification (germline): Benign/Likely benign. Review status: criteria provided, multiple submitters, no conflicts (2 of 4 stars). 7 submissions from 7 submitters: Benign (1); Likely benign (5). 1 of the submissions does not count toward it. Last evaluated 2026-01-26.

Conditions:
Congenital myasthenic syndrome (CMS). Also called: Congenital Myasthenic Syndromes. Identifiers: Orphanet 590, MedGen C0751882, MeSH D020294, MONDO:0018940.
CHRNE-related disorder. Also called: CHRNE-related condition.
Congenital myasthenic syndrome 4A. Also called: Myasthenic syndrome, congenital, 4a, slow-channel; CONGENITAL MYASTHENIC SYNDROME TYPE Ia1; MYASTHENIC SYNDROME, CONGENITAL, 4A, SLOW-CHANNEL, AUTOSOMAL RECESSIVE. Identifiers: Orphanet 590, MedGen C4225413, MONDO:0011600, OMIM 605809.

Allele frequency attached by ClinVar (database versions not stated): gnomAD exomes 0.00065; gnomAD 0.00240; 1000 Genomes Project 30x 0.00265; TOPMed 0.00274; 1000 Genomes Project 0.00280.
gnomAD v4.1: 790 of 1,547,386 alleles (0.051%); highest among the groups gnomAD compares: African/African-American, 0.88%; 3 homozygotes.

Submissions (7):

Labcorp Genetics (formerly Invitae), Labcorp
Classification: Benign for Congenital myasthenic syndrome 4A. Last evaluated: 2026-01-26. Review status: criteria provided, single submitter. Criteria: Invitae Variant Classification Sherloc (09022015). Collection method: clinical testing. Allele origin: germline.

CeGaT Center for Human Genetics Tuebingen
Classification: Likely benign. Last evaluated: 2025-11-01. Review status: criteria provided, single submitter. Criteria: CeGaT Center For Human Genetics Tuebingen Variant Classification Criteria Version 2. Collection method: clinical testing. Allele origin: germline. Affected: yes. Observed: 1 variant allele.
Comment: CHRNE: BS2

Athena Diagnostics
Classification: Likely benign. Last evaluated: 2025-09-18. Review status: criteria provided, single submitter. Criteria: Athena Diagnostics Criteria. Collection method: clinical testing. Allele origin: unknown.
Comment: The frequency of this variant in the general population is higher than would generally be expected for pathogenic variants in this gene. Computational tools predict this amino acid change may be benign.

Blueprint Genetics
Classification: Likely benign. Last evaluated: 2024-10-02. Review status: criteria provided, single submitter. Criteria: ACMG Guidelines, 2015. Collection method: clinical testing. Allele origin: germline.

Illumina Laboratory Services, Illumina
Classification: Likely benign for Congenital myasthenic syndrome. Last evaluated: 2018-01-13. Review status: criteria provided, single submitter. Criteria: ICSL Variant Classification Criteria 13 December 2019. Collection method: clinical testing. Allele origin: germline.
Comment: This variant was observed in the ICSL laboratory as part of a predisposition screen in an ostensibly healthy population. It had not been previously curated by ICSL or reported in the Human Gene Mutation Database (HGMD: prior to June 1st, 2018), and was therefore a candidate for classification through an automated scoring system. Utilizing variant allele frequency, disease prevalence and penetrance estimates, and inheritance mode, an automated score was calculated to assess if this variant is too frequent to cause the disease. Based on the score and internal cut-off values, a variant classified as likely benign is not then subjected to further curation. The score for this variant resulted in a classification of likely benign for this disease.

Breakthrough Genomics
Classification: Likely benign. Review status: criteria provided, single submitter. Criteria: ACMG Guidelines, 2015. Collection method: not provided. Allele origin: germline. Inheritance: Autosomal recessive inheritance. Affected: yes.

PreventionGenetics, part of Exact Sciences
Classification: Benign for CHRNE-related condition. Last evaluated: 2019-06-14. Review status: no assertion criteria provided. Collection method: clinical testing. Allele origin: germline. Not counted in ClinVar's aggregate classification.
Comment: This variant is classified as benign based on ACMG/AMP sequence variant interpretation guidelines (Richards et al. 2015 PMID: 25741868, with internal and published modifications).